The following is an entry in ClinVar:

ClinVar aggregate classification (germline): Uncertain significance (1 of 4 stars; one submission).

Conditions:
Rhabdoid tumor predisposition syndrome 2 (RTPS2). Identifiers: Orphanet 231108, Orphanet 69077, MedGen C2750074, MONDO:0013224, OMIM 613325.

Submission:

Labcorp Genetics (formerly Invitae), Labcorp
Classification: Uncertain significance for Rhabdoid tumor predisposition syndrome 2. Last evaluated: 2020-05-21. Review status: criteria provided, single submitter. Criteria: Invitae Variant Classification Sherloc (09022015). Collection method: clinical testing. Allele origin: germline.
Comment: This variant is not present in population databases (ExAC no frequency). This sequence change replaces leucine with arginine at codon 416 of the SMARCA4 protein (p.Leu416Arg). The leucine residue is highly conserved and there is a moderate physicochemical difference between leucine and arginine. This variant has not been reported in the literature in individuals with SMARCA4-related conditions. In summary, the available evidence is currently insufficient to determine the role of this variant in disease. Therefore, it has been classified as a Variant of Uncertain Significance. Algorithms developed to predict the effect of missense changes on protein structure and function are either unavailable or do not agree on the potential impact of this missense change (SIFT: "Deleterious"; PolyPhen-2: "Probably Damaging"; Align-GVGD: "Class C0").

NM_003072.5(SMARCA4):c.1247T>G (p.Leu416Arg)

Gene: SMARCA4 (SWI/SNF related BAF chromatin remodeling complex subunit ATPase 4; plus strand). Cytogenetic location: 19p13.2.
Variant type: single nucleotide variant.
Coding change: c.1247T>G on transcript NM_003072.5 (MANE Select); coding-DNA position 1247, T replaced by G.
Protein change: p.Leu416Arg; replaces leucine 416 with arginine.
Molecular consequence: missense variant. On other transcripts: non-coding transcript variant (1).
Genome position (GRCh38, 1-based): chr19:10,991,151, T>G. VCF-style: chr19-10991151-T-G. GRCh37 (hg19) VCF-style: chr19-11101827-T-G.
Other names: c.1247T>G, p.Leu416Arg (NM_001128844.3, NM_001128845.2, NM_001128846.2 and 4 more transcripts); short protein forms L416R.
Identifiers: ClinVar variation 999313 (VCV000999313.8), dbSNP rs2086525774, ClinGen allele CA404060464.